The following is an entry in ClinVar:

ClinVar aggregate classification (germline): Uncertain significance (1 of 4 stars; one submission).

Conditions:
Catecholaminergic polymorphic ventricular tachycardia (CVPT). Also called: Catecholamine-induced polymorphic ventricular tachycardia. Identifiers: Orphanet 3286, MedGen C5574922, MONDO:0017990.

Allele frequency attached by ClinVar (database versions not stated): gnomAD exomes below 0.00001; gnomAD 0.00001.

Submission:

All of Us Research Program, National Institutes of Health
Classification: Uncertain significance for Catecholaminergic polymorphic ventricular tachycardia. Last evaluated: 2023-04-10. Review status: criteria provided, single submitter. Criteria: ACMG Guidelines, 2015. Collection method: clinical testing. Allele origin: germline. Inheritance: Autosomal dominant inheritance. Observed: 1 variant allele, 1 heterozygote.
Comment: This missense variant replaces valine with isoleucine at codon 324 of the RYR2 protein. Computational prediction suggests that this variant may not impact protein structure and function (internally defined REVEL score threshold <= 0.5, PMID: 27666373). To our knowledge, functional studies have not been reported for this variant. This variant has not been reported in individuals affected with RYR2-related disorders in the literature. This variant has not been identified in the general population by the Genome Aggregation Database (gnomAD). The available evidence is insufficient to determine the role of this variant in disease conclusively. Therefore, this variant is classified as a Variant of Uncertain Significance.

This study involves interpretation of variants in research participants for the purpose of population health screening. Participant phenotype was not available at the time of variant classification. Additional details can be found in publication PMID: 35346344, PMCID: PMC8962531

NM_001035.3(RYR2):c.970G>A (p.Val324Ile)

Gene: RYR2 (ryanodine receptor 2; plus strand). Cytogenetic location: 1q43.
Variant type: single nucleotide variant.
Coding change: c.970G>A on transcript NM_001035.3 (MANE Select); coding-DNA position 970, G replaced by A.
Protein change: p.Val324Ile; replaces valine 324 with isoleucine.
Molecular consequence: missense variant.
Genome position (GRCh38, 1-based): chr1:237,423,213, G>A. VCF-style: chr1-237423213-G-A. GRCh37 (hg19) VCF-style: chr1-237586513-G-A.
Other names: short protein forms V324I.
Identifiers: ClinVar variation 3070349 (VCV003070349.1), dbSNP rs1705771824, ClinGen allele CA345385533.